The following is an entry in ClinVar:

NM_001453.3(FOXC1):c.1061C>T (p.Ser354Leu)

Gene: FOXC1 (forkhead box C1; plus strand). Cytogenetic location: 6p25.3.
Variant type: single nucleotide variant.
Coding change: c.1061C>T on transcript NM_001453.3 (MANE Select); coding-DNA position 1061, C replaced by T.
Protein change: p.Ser354Leu; replaces serine 354 with leucine.
Molecular consequence: missense variant.
Genome position (GRCh38, 1-based): chr6:1,611,506, C>T. VCF-style: chr6-1611506-C-T. GRCh37 (hg19) VCF-style: chr6-1611741-C-T.
Other names: short protein forms S354L.
Identifiers: ClinVar variation 2401091 (VCV002401091.4), dbSNP rs755730167, ClinGen allele CA3614859.

ClinVar aggregate classification (germline): Uncertain significance. Review status: criteria provided, multiple submitters, no conflicts (2 of 4 stars). 3 submissions from 3 submitters: Uncertain significance (3). Last evaluated 2025-12-10.

Conditions:
Inborn genetic diseases. Identifiers: MedGen C0950123, MeSH D030342.
Anterior segment dysgenesis 3 (ASGD3). Also called: IRIDOGONIODYSGENESIS ANOMALY, AUTOSOMAL DOMINANT; Glaucoma iridogoniodysplasia, familial. Identifiers: Orphanet 91483, MedGen C5975707, MONDO:0024456, OMIM 601631.
Axenfeld-Rieger syndrome type 3 (RIEG3). Also called: AXENFELD-RIEGER ANOMALY WITH CARDIAC DEFECTS AND/OR SENSORINEURAL HEARING LOSS. Identifiers: Orphanet 782, MedGen C2678503, MONDO:0011233, OMIM 602482.

Allele frequency attached by ClinVar (database versions not stated): gnomAD 0.00003; gnomAD exomes 0.00003; TOPMed 0.00003; ExAC 0.00010.

Submissions (3):

Labcorp Genetics (formerly Invitae), Labcorp
Classification: Uncertain significance for Axenfeld-Rieger syndrome type 3. Last evaluated: 2025-12-10. Review status: criteria provided, single submitter. Criteria: Invitae Variant Classification Sherloc (09022015). Collection method: clinical testing. Allele origin: germline.
Comment: This sequence change replaces serine, which is neutral and polar, with leucine, which is neutral and non-polar, at codon 354 of the FOXC1 protein (p.Ser354Leu). The frequency data for this variant in the population databases is considered unreliable, as metrics indicate poor data quality at this position in the gnomAD database. This variant has not been reported in the literature in individuals affected with FOXC1-related conditions. ClinVar contains an entry for this variant (Variation ID: 2401091). An algorithm developed to predict the effect of missense changes on protein structure and function (PolyPhen-2) suggests that this variant is likely to be disruptive. In summary, the available evidence is currently insufficient to determine the role of this variant in disease. Therefore, it has been classified as a Variant of Uncertain Significance.

Fulgent Genetics
Classification: Uncertain significance for Anterior segment dysgenesis 3; Axenfeld-Rieger syndrome type 3. Last evaluated: 2024-04-24. Review status: criteria provided, single submitter. Criteria: ACMG Guidelines, 2015. Collection method: clinical testing. Allele origin: germline.

Ambry Genetics
Classification: Uncertain significance for Inborn genetic diseases. Last evaluated: 2022-11-10. Review status: criteria provided, single submitter. Criteria: Ambry Variant Classification Scheme 2023. Collection method: clinical testing. Allele origin: germline.